The following is an entry in ClinVar:

NM_000552.5(VWF):c.5170+1G>A

Gene: VWF (von Willebrand factor; minus strand). Cytogenetic location: 12p13.31.
Variant type: single nucleotide variant.
Coding change: c.5170+1G>A on transcript NM_000552.5 (MANE Select); the canonical splice donor site of the intron after coding-DNA position 5170, G replaced by A.
Molecular consequence: splice donor variant.
Genome position (GRCh38, 1-based): chr12:6,016,753, C>T on the plus strand (G>A on the coding strand, the complement: VWF is on the minus strand). VCF-style: chr12-6016753-C-T. GRCh37 (hg19) VCF-style: chr12-6125919-C-T.
Identifiers: ClinVar variation 1065260 (VCV001065260.4), dbSNP rs764543553, ClinGen allele CA6402378.

ClinVar aggregate classification (germline): Likely pathogenic. Review status: criteria provided, single submitter (1 of 4 stars). 2 submissions from 2 submitters: Likely pathogenic (1). 1 of the submissions does not count toward it. Last evaluated 2023-10-24.

Conditions:
Hereditary von Willebrand disease. Identifiers: Orphanet 903, MedGen C5703318, MONDO:0019565. Inheritance: Autosomal recessive or Autosomal dominant.
von Willebrand disease type 3 (VWD3). Also called: Type 3 Von Willebrand's disease; Type 3 VWD; Von Willebrand disease, severe form; V WD3; VON WILLEBRAND DISEASE, TYPE III. Identifiers: Orphanet 166096, MedGen C1264041, MONDO:0010191, OMIM 277480.

Allele frequency attached by ClinVar (database versions not stated): gnomAD exomes below 0.00001; ExAC 0.00001.
gnomAD v4.1: 2 of 1,614,250 alleles (0.00012%); highest among the groups gnomAD compares: East Asian, 0.0022%; no homozygotes.

Submissions (2):

Women's Health and Genetics/Laboratory Corporation of America, LabCorp
Classification: Likely pathogenic for von Willebrand disorder. Last evaluated: 2023-10-24. Review status: criteria provided, single submitter. Criteria: LabCorp Variant Classification Summary - May 2015. Collection method: clinical testing. Allele origin: germline.
Comment: Variant summary: VWF c.5170+1G>A is located in a canonical splice-site and is predicted to affect mRNA splicing resulting in a significantly altered protein due to either exon skipping, shortening, or inclusion of intronic material. Several computational tools predict a significant impact on normal splicing: Three predict the variant abolishes a 5' splicing donor site. However, these predictions have yet to be confirmed by functional studies. The variant allele was found at a frequency of 4e-06 in 251478 control chromosomes. To our knowledge, no occurrence of c.5170+1G>A in individuals affected with Von Willebrand Disease and no experimental evidence demonstrating its impact on protein function have been reported. One submitter has cited clinical-significance assessments for this variant to ClinVar after 2014 and has classified the variant as likely pathogenic. Based on the evidence outlined above, the variant was classified as likely pathogenic.

Angelo Bianchi Bonomi Hemophilia and Thrombosis Center, Fondazione IRCCS Ca Granda Ospedale Maggiore Policlinico
Classification: Likely pathogenic for von Willebrand disease type 3. Last evaluated: 2020-11-01. Review status: no assertion criteria provided. Collection method: clinical testing. Allele origin: germline. Affected: yes. Study: Type 3 Von Willebrand International Registries Inhibitor Prospective Study (3WINTERS-IPS). Not counted in ClinVar's aggregate classification.
Comment: ClinGen Pathogenicity Calculator